The following is an entry in ClinVar:

NC_000008.10:g.(?_17133886)_(17133996_?)del

Gene: VPS37A (VPS37A subunit of ESCRT-I; plus strand). Cytogenetic location: 8p22.
Variant type: Deletion.
Identifiers: ClinVar variation 3245524 (VCV003245524.1).

ClinVar aggregate classification (germline): Uncertain significance (1 of 4 stars; one submission).

Conditions:
Hereditary spastic paraplegia 53. Also called: Spastic paraplegia 53, autosomal recessive. Identifiers: Orphanet 319199, MedGen C3539494, MONDO:0013962, OMIM 614898.

Submission:

Labcorp Genetics (formerly Invitae), Labcorp
Classification: Uncertain significance for Hereditary spastic paraplegia 53. Last evaluated: 2023-05-23. Review status: criteria provided, single submitter. Criteria: Invitae Variant Classification Sherloc (09022015). Collection method: clinical testing. Allele origin: unknown.
Comment: This variant is a gross deletion of the genomic region encompassing exon(s) 6 of the VPS37A gene. This deletion is out-of-frame, and is expected to create a premature translational stop signal and result in an absent or disrupted protein product. However, the current clinical and genetic evidence is not sufficient to establish whether loss-of-function variants in VPS37A cause disease. This variant has not been reported in the literature in individuals affected with VPS37A-related conditions. In summary, the available evidence is currently insufficient to determine the role of this variant in disease. Therefore, it has been classified as a Variant of Uncertain Significance.